The following is an entry in ClinVar:

NM_006846.4(SPINK5):c.1739C>G (p.Pro580Arg)

Gene: SPINK5 (serine peptidase inhibitor Kazal type 5; plus strand). Cytogenetic location: 5q32.
Variant type: single nucleotide variant.
Coding change: c.1739C>G on transcript NM_006846.4 (MANE Select); coding-DNA position 1739, C replaced by G.
Protein change: p.Pro580Arg; replaces proline 580 with arginine.
Molecular consequence: missense variant.
Genome position (GRCh38, 1-based): chr5:148,111,814, C>G. VCF-style: chr5-148111814-C-G. GRCh37 (hg19) VCF-style: chr5-147491377-C-G.
Other names: c.1739C>G, p.Pro580Arg (NM_001127698.2, NM_001127699.2); short protein forms P580R.
Identifiers: ClinVar variation 907490 (VCV000907490.6), dbSNP rs770045852, ClinGen allele CA3495722.

ClinVar aggregate classification (germline): Uncertain significance. Review status: criteria provided, multiple submitters, no conflicts (2 of 4 stars). 3 submissions from 3 submitters: Uncertain significance (2). 1 of the submissions does not count toward it. Last evaluated 2018-01-12.

Conditions:
SPINK5-related disorder. Also called: SPINK5-related condition.
Netherton syndrome (NETH). Also called: ERYTHRODERMA, ICHTHYOSIFORM, WITH HYPOTRICHOSIS AND HYPER-IgE; COMEL-NETHERTON SYNDROME; NETHERTON DISEASE. Identifiers: Orphanet 634, MedGen C5574950, MONDO:0009735, OMIM 256500.

Allele frequency attached by ClinVar (database versions not stated): gnomAD below 0.00001 and 0.00001; TOPMed below 0.00001.
gnomAD v4.1: 26 of 1,613,914 alleles (0.0016%); highest among the groups gnomAD compares: South Asian, 0.023%; no homozygotes.

Submissions (3):

Illumina Laboratory Services, Illumina
Classification: Uncertain significance for Netherton syndrome. Last evaluated: 2018-01-12. Review status: criteria provided, single submitter. Criteria: ICSL Variant Classification Criteria 13 December 2019. Collection method: clinical testing. Allele origin: germline.

Neuberg Centre For Genomic Medicine, NCGM
Classification: Uncertain significance for Netherton syndrome. Review status: criteria provided, single submitter. Criteria: ACMG Guidelines, 2015. Collection method: clinical testing. Allele origin: germline. Inheritance: Autosomal recessive inheritance. Affected: yes.
Comment: The observed missense c.1739C>G(p.Pro580Arg) variant in SPINK5 gene has not been reported previously as a pathogenic variant nor as a benign variant, to our knowledge. This variant is present with an allele frequency of 0.003% in gnomAD Exomes. This variant has been submitted to the ClinVar database as Uncertain significance. The amino acid change p.Pro580Arg in SPINK5 is predicted as conserved by GERP++ and PhyloP across 100 vertebrates. The amino acid Pro at position 580 is changed to a Arg changing protein sequence and it might alter its composition and physico-chemical properties. For these reasons, this variant has been classified as Variant of Uncertain Significance (VUS).

PreventionGenetics, part of Exact Sciences
Classification: Uncertain significance for SPINK5-related condition. Last evaluated: 2024-03-08. Review status: no assertion criteria provided. Collection method: clinical testing. Allele origin: germline. Not counted in ClinVar's aggregate classification.
Comment: The SPINK5 c.1739C>G variant is predicted to result in the amino acid substitution p.Pro580Arg. To our knowledge, this variant has not been reported in the literature. This variant is reported in 0.026% of alleles in individuals of South Asian descent in gnomAD. At this time, the clinical significance of this variant is uncertain due to the absence of conclusive functional and genetic evidence.